The following is an entry in ClinVar:

ClinVar aggregate classification (germline): Uncertain significance (1 of 4 stars; one submission).

Conditions:
Familial cancer of breast. Also called: BREAST CANCER, FAMILIAL; hereditary breast carcinoma; Hereditary breast cancer. Identifiers: Orphanet 227535, MedGen C0346153, MONDO:0016419, OMIM 114480. Disease mechanism: loss of function.

Submission:

Labcorp Genetics (formerly Invitae), Labcorp
Classification: Uncertain significance for Familial cancer of breast. Last evaluated: 2022-09-14. Review status: criteria provided, single submitter. Criteria: Invitae Variant Classification Sherloc (09022015). Collection method: clinical testing. Allele origin: germline.
Comment: This variant is not present in population databases (gnomAD no frequency). This variant has not been reported in the literature in individuals affected with PALB2-related conditions. Advanced modeling of protein sequence and biophysical properties (such as structural, functional, and spatial information, amino acid conservation, physicochemical variation, residue mobility, and thermodynamic stability) performed at Invitae indicates that this missense variant is not expected to disrupt PALB2 protein function. In summary, the available evidence is currently insufficient to determine the role of this variant in disease. Therefore, it has been classified as a Variant of Uncertain Significance. This sequence change replaces threonine, which is neutral and polar, with isoleucine, which is neutral and non-polar, at codon 754 of the PALB2 protein (p.Thr754Ile).

NM_024675.4(PALB2):c.2261C>T (p.Thr754Ile)

Gene: PALB2 (partner and localizer of BRCA2; minus strand). Cytogenetic location: 16p12.2.
Variant type: single nucleotide variant.
Coding change: c.2261C>T on transcript NM_024675.4 (MANE Select); coding-DNA position 2261, C replaced by T.
Protein change: p.Thr754Ile; replaces threonine 754 with isoleucine.
Molecular consequence: missense variant.
Genome position (GRCh38, 1-based): chr16:23,629,893, G>A on the plus strand (C>T on the coding strand, the complement: PALB2 is on the minus strand). VCF-style: chr16-23629893-G-A. GRCh37 (hg19) VCF-style: chr16-23641214-G-A.
Other names: c.2201C>T, p.Thr734Ile (NM_001407296.1); c.2261C>T, p.Thr754Ile (NM_001407297.1, NM_001407298.1, NM_001407299.1 and 3 more transcripts); c.1376C>T, p.Thr459Ile (NM_001407304.1, NM_001407305.1, NM_001407306.1 and 5 more transcripts); c.473C>T, p.Thr158Ile (NM_001407312.1, NM_001407313.1); short protein forms T158I, T459I, T734I, T754I.
Identifiers: ClinVar variation 1719408 (VCV001719408.5), dbSNP rs1966858206, ClinGen allele CA395125432.